The following is an entry in ClinVar:

NM_001042492.3(NF1):c.6019C>T (p.Leu2007Phe)

Gene: NF1 (neurofibromin 1; plus strand). Cytogenetic location: 17q11.2.
Variant type: single nucleotide variant.
Coding change: c.6019C>T on transcript NM_001042492.3 (MANE Select); coding-DNA position 6019, C replaced by T.
Protein change: p.Leu2007Phe; replaces leucine 2007 with phenylalanine.
Molecular consequence: missense variant.
Genome position (GRCh38, 1-based): chr17:31,336,345, C>T. VCF-style: chr17-31336345-C-T. GRCh37 (hg19) VCF-style: chr17-29663363-C-T.
Other names: c.5956C>T, p.Leu1986Phe (NM_000267.4); short protein forms L1986F, L2007F.
Identifiers: ClinVar variation 4032155 (VCV004032155.1).

ClinVar aggregate classification (germline): Uncertain significance (1 of 4 stars; one submission).

Conditions:
Cardiovascular phenotype. Identifiers: MedGen CN230736.
Hereditary cancer-predisposing syndrome. Also called: Neoplastic Syndromes, Hereditary; Tumor predisposition; Hereditary neoplastic syndrome; Hereditary Cancer Syndrome. Identifiers: Orphanet 140162, MedGen C0027672, MeSH D009386, MONDO:0015356.

Submission:

Ambry Genetics
Classification: Uncertain significance for Cardiovascular phenotype; Hereditary cancer-predisposing syndrome. Last evaluated: 2025-05-20. Review status: criteria provided, single submitter. Criteria: Ambry Variant Classification Scheme 2023. Collection method: clinical testing. Allele origin: germline.
Comment: The p.L1986F variant (also known as c.5956C>T), located in coding exon 40 of the NF1 gene, results from a C to T substitution at nucleotide position 5956. The leucine at codon 1986 is replaced by phenylalanine, an amino acid with highly similar properties. This amino acid position is conserved. In addition, this alteration is predicted to be deleterious by in silico analysis. Based on the available evidence, the clinical significance of this variant remains unclear.